The following is an entry in ClinVar:

ClinVar aggregate classification (germline): Uncertain significance (1 of 4 stars; one submission).

Conditions:
Hereditary cancer-predisposing syndrome. Also called: Neoplastic Syndromes, Hereditary; Tumor predisposition; Hereditary Cancer Syndrome; Hereditary neoplastic syndrome. Identifiers: Orphanet 140162, MedGen C0027672, MeSH D009386, MONDO:0015356.

Allele frequency attached by ClinVar (database versions not stated): gnomAD exomes 0.00001.
gnomAD v4.1: 9 of 1,613,740 alleles (0.00056%); highest among the groups gnomAD compares: Non-Finnish European, 0.00068%; no homozygotes.

Submission:

Ambry Genetics
Classification: Uncertain significance for Hereditary cancer-predisposing syndrome. Last evaluated: 2022-11-24. Review status: criteria provided, single submitter. Criteria: Ambry Variant Classification Scheme 2023. Collection method: clinical testing. Allele origin: germline.
Comment: The p.Y436H variant (also known as c.1306T>C), located in coding exon 11 of the MRE11A gene, results from a T to C substitution at nucleotide position 1306. The tyrosine at codon 436 is replaced by histidine, an amino acid with similar properties. Based on protein sequence alignment, this amino acid position is highly conserved in available vertebrate species. In addition, this alteration is predicted to be deleterious by in silico analysis. Since supporting evidence is limited at this time, the clinical significance of this variant remains unclear.

NM_005591.4(MRE11):c.1306T>C (p.Tyr436His)

Gene: MRE11 (MRE11 double strand break repair nuclease; minus strand). Cytogenetic location: 11q21.
Variant type: single nucleotide variant.
Coding change: c.1306T>C on transcript NM_005591.4 (MANE Select); coding-DNA position 1306, T replaced by C.
Protein change: p.Tyr436His; replaces tyrosine 436 with histidine.
Molecular consequence: missense variant.
Genome position (GRCh38, 1-based): chr11:94,460,956, A>G on the plus strand (T>C on the coding strand, the complement: MRE11 is on the minus strand). VCF-style: chr11-94460956-A-G. GRCh37 (hg19) VCF-style: chr11-94194122-A-G.
Other names: c.1306T>C, p.Tyr436His (NM_001330347.2, NM_005590.4); short protein forms Y436H.
Identifiers: ClinVar variation 141020 (VCV000141020.6), dbSNP rs587781439, ClinGen allele CA164245.